The following is an entry in ClinVar:

NM_001170629.2(CHD8):c.7496C>A (p.Pro2499His)

Gene: CHD8 (chromodomain helicase DNA binding protein 8; minus strand). Cytogenetic location: 14q11.2.
Variant type: single nucleotide variant.
Coding change: c.7496C>A on transcript NM_001170629.2 (MANE Select); coding-DNA position 7496, C replaced by A.
Protein change: p.Pro2499His; replaces proline 2499 with histidine.
Molecular consequence: missense variant.
Genome position (GRCh38, 1-based): chr14:21,385,863, G>T on the plus strand (C>A on the coding strand, the complement: CHD8 is on the minus strand). VCF-style: chr14-21385863-G-T. GRCh37 (hg19) VCF-style: chr14-21854022-G-T.
Other names: c.6659C>A, p.Pro2220His (NM_020920.4); short protein forms P2220H, P2499H.
Identifiers: ClinVar variation 589785 (VCV000589785.11), dbSNP rs1212151127, ClinGen allele CA388874969.

ClinVar aggregate classification (germline): Uncertain significance. Review status: criteria provided, multiple submitters, no conflicts (2 of 4 stars). 3 submissions from 3 submitters: Uncertain significance (3). Last evaluated 2025-04-10.

Conditions:
Inborn genetic diseases. Identifiers: MedGen C0950123, MeSH D030342.

Allele frequency attached by ClinVar (database versions not stated): gnomAD exomes 0.00007; gnomAD 0.00013.

Submissions (3):

Labcorp Genetics (formerly Invitae), Labcorp
Classification: Uncertain significance. Last evaluated: 2025-04-10. Review status: criteria provided, single submitter. Criteria: Invitae Variant Classification Sherloc (09022015). Collection method: clinical testing. Allele origin: germline.
Comment: This sequence change replaces proline, which is neutral and non-polar, with histidine, which is basic and polar, at codon 2499 of the CHD8 protein (p.Pro2499His). The frequency data for this variant in the population databases is considered unreliable, as metrics indicate poor data quality at this position in the gnomAD database. This variant has not been reported in the literature in individuals affected with CHD8-related conditions. ClinVar contains an entry for this variant (Variation ID: 589785). Invitae Evidence Modeling of protein sequence and biophysical properties (such as structural, functional, and spatial information, amino acid conservation, physicochemical variation, residue mobility, and thermodynamic stability) indicates that this missense variant is not expected to disrupt CHD8 protein function with a negative predictive value of 95%. In summary, the available evidence is currently insufficient to determine the role of this variant in disease. Therefore, it has been classified as a Variant of Uncertain Significance.

Ambry Genetics
Classification: Uncertain significance for Inborn genetic diseases. Last evaluated: 2017-05-31. Review status: criteria provided, single submitter. Criteria: Ambry Variant Classification Scheme 2023. Collection method: clinical testing. Allele origin: germline.
Comment: The p.P2499H variant (also known as c.7496C>A), located in coding exon 37 of the CHD8 gene, results from a C to A substitution at nucleotide position 7496. The proline at codon 2499 is replaced by histidine, an amino acid with some similar properties. This amino acid position is not conserved however, histidine is a reference amino acid in several species. In addition, this alteration is predicted to be tolerated by in silico analysis. Since supporting evidence is limited at this time, the clinical significance of this alteration remains unclear.

Breakthrough Genomics
Classification: Uncertain significance. Review status: criteria provided, single submitter. Criteria: ACMG Guidelines, 2015. Collection method: not provided. Allele origin: germline. Inheritance: Autosomal dominant inheritance. Affected: yes.